The following is an entry in ClinVar:

ClinVar aggregate classification (germline): Uncertain significance (1 of 4 stars; one submission).

Conditions:
Pheochromocytoma/paraganglioma syndrome 5. Also called: Paragangliomas 5; SDHA-Related Hereditary Paraganglioma-Pheochromocytoma Syndrome. Identifiers: Orphanet 29072, MedGen C3279992, MONDO:0013602, OMIM 614165.
Mitochondrial complex II deficiency, nuclear type 1. Also called: SUCCINATE CoQ REDUCTASE DEFICIENCY. Identifiers: Orphanet 3208, MedGen C5700310, MONDO:0100294, OMIM 252011.

Allele frequency attached by ClinVar (database versions not stated): gnomAD exomes 0.00001.

Submission:

Labcorp Genetics (formerly Invitae), Labcorp
Classification: Uncertain significance for Pheochromocytoma/paraganglioma syndrome 5; Mitochondrial complex II deficiency, nuclear type 1. Last evaluated: 2022-09-23. Review status: criteria provided, single submitter. Criteria: Invitae Variant Classification Sherloc (09022015). Collection method: clinical testing. Allele origin: germline.
Comment: This sequence change falls in intron 4 of the SDHA gene. It does not directly change the encoded amino acid sequence of the SDHA protein. It affects a nucleotide within the consensus splice site. This variant is not present in population databases (gnomAD no frequency). This variant has not been reported in the literature in individuals affected with SDHA-related conditions. Variants that disrupt the consensus splice site are a relatively common cause of aberrant splicing (PMID: 17576681, 9536098). Algorithms developed to predict the effect of sequence changes on RNA splicing suggest that this variant is not likely to affect RNA splicing. In summary, the available evidence is currently insufficient to determine the role of this variant in disease. Therefore, it has been classified as a Variant of Uncertain Significance.

Literature cited by the submitters: PubMed 17576681; PubMed 9536098.

NM_004168.4(SDHA):c.456+4del

Gene: SDHA (succinate dehydrogenase complex flavoprotein subunit A; plus strand). Cytogenetic location: 5p15.33.
Variant type: Deletion.
Coding change: c.456+4del on transcript NM_004168.4 (MANE Select); 4 bases into the intron after coding-DNA position 456, one base deleted (A; older notation c.456+4delA).
Molecular consequence: intron variant.
Genome position (GRCh38, 1-based): chr5:225,566, A deleted. VCF-style (leftmost placement, unchanged base first): chr5-225565-GA-G. GRCh37 (hg19) VCF-style: chr5-225680-GA-G.
Other names: c.456+4del (NM_001330758.2); c.313-317del (NM_001294332.2).
Identifiers: ClinVar variation 2031186 (VCV002031186.4), dbSNP rs2477296110, ClinGen allele CA2580073098.